The following is an entry in ClinVar:

ClinVar aggregate classification (germline): Benign/Likely benign. Review status: criteria provided, multiple submitters, no conflicts (2 of 4 stars). 3 submissions from 3 submitters: Benign (1); Likely benign (2). Last evaluated 2024-01-01.

Allele frequency attached by ClinVar (database versions not stated): gnomAD 0.00009 and 0.00010; TOPMed 0.00013.
gnomAD v4.1: 55 of 1,608,628 alleles (0.0034%); highest among the groups gnomAD compares: African/African-American, 0.012%; no homozygotes.

Submissions (3):

CeGaT Center for Human Genetics Tuebingen
Classification: Likely benign. Last evaluated: 2024-01-01. Review status: criteria provided, single submitter. Criteria: CeGaT Center For Human Genetics Tuebingen Variant Classification Criteria Version 2. Collection method: clinical testing. Allele origin: germline. Affected: yes. Observed: 1 variant allele.
Comment: ASXL3: BS1

Blueprint Genetics
Classification: Likely benign. Last evaluated: 2023-04-26. Review status: criteria provided, single submitter. Criteria: ACMG Guidelines, 2015. Collection method: clinical testing. Allele origin: germline.

GeneDx
Classification: Benign. Last evaluated: 2020-12-14. Review status: criteria provided, single submitter. Criteria: GeneDx Variant Classification Process June 2021. Collection method: clinical testing. Allele origin: germline. Affected: yes.
Comment: In silico analysis supports that this missense variant does not alter protein structure/function; Has not been previously published as pathogenic or benign to our knowledge

NM_030632.3(ASXL3):c.6053C>T (p.Pro2018Leu)

Gene: ASXL3 (ASXL transcriptional regulator 3; plus strand). Cytogenetic location: 18q12.1.
Variant type: single nucleotide variant.
Coding change: c.6053C>T on transcript NM_030632.3 (MANE Select); coding-DNA position 6053, C replaced by T.
Protein change: p.Pro2018Leu; replaces proline 2018 with leucine.
Molecular consequence: missense variant.
Genome position (GRCh38, 1-based): chr18:33,745,901, C>T. VCF-style: chr18-33745901-C-T. GRCh37 (hg19) VCF-style: chr18-31325865-C-T.
Other names: short protein forms P2018L.
Identifiers: ClinVar variation 1272292 (VCV001272292.24), dbSNP rs752977390, ClinGen allele CA8934528.